The following is an entry in ClinVar:

ClinVar aggregate classification (germline): Uncertain significance (1 of 4 stars; one submission).

Conditions:
Sterile multifocal osteomyelitis with periostitis and pustulosis. Also called: CHRONIC RECURRENT MULTIFOCAL OSTEOMYELITIS 2, WITH PERIOSTITIS AND PUSTULOSIS. Identifiers: Orphanet 210115, MedGen C2748507, MONDO:0013021, OMIM 612852.

Submission:

Labcorp Genetics (formerly Invitae), Labcorp
Classification: Uncertain significance for Sterile multifocal osteomyelitis with periostitis and pustulosis. Last evaluated: 2022-01-14. Review status: criteria provided, single submitter. Criteria: Invitae Variant Classification Sherloc (09022015). Collection method: clinical testing. Allele origin: germline.
Comment: In summary, the available evidence is currently insufficient to determine the role of this variant in disease. Therefore, it has been classified as a Variant of Uncertain Significance. Algorithms developed to predict the effect of missense changes on protein structure and function (SIFT, PolyPhen-2, Align-GVGD) all suggest that this variant is likely to be disruptive. This variant has not been reported in the literature in individuals affected with IL1RN-related conditions. This variant is not present in population databases (gnomAD no frequency). This sequence change replaces isoleucine, which is neutral and non-polar, with threonine, which is neutral and polar, at codon 129 of the IL1RN protein (p.Ile129Thr).

NM_173842.3(IL1RN):c.377T>C (p.Ile126Thr)

Gene: IL1RN (interleukin 1 receptor antagonist; plus strand). Cytogenetic location: 2q14.1.
Variant type: single nucleotide variant.
Coding change: c.377T>C on transcript NM_173842.3 (MANE Select); coding-DNA position 377, T replaced by C.
Protein change: p.Ile126Thr; replaces isoleucine 126 with threonine.
Molecular consequence: missense variant.
Genome position (GRCh38, 1-based): chr2:113,132,714, T>C. VCF-style: chr2-113132714-T-C. GRCh37 (hg19) VCF-style: chr2-113890291-T-C.
Other names: c.323T>C, p.Ile108Thr (NM_000577.5); c.275T>C, p.Ile92Thr (NM_001318914.2, NM_001379360.1, NM_173843.3); c.386T>C, p.Ile129Thr (NM_173841.3); short protein forms I129T, I92T, I108T, I126T.
Identifiers: ClinVar variation 1522112 (VCV001522112.8), dbSNP rs1483517191, ClinGen allele CA348296037.